The following is an entry in ClinVar:

ClinVar aggregate classification (germline): Uncertain significance (1 of 4 stars; one submission).

gnomAD v4.1: 19 of 1,614,070 alleles (0.0012%); highest among the groups gnomAD compares: Non-Finnish European, 0.0016%; no homozygotes.

Submission:

Women's Health and Genetics/Laboratory Corporation of America, LabCorp
Classification: Uncertain significance. Last evaluated: 2024-05-13. Review status: criteria provided, single submitter. Criteria: LabCorp Variant Classification Summary - May 2015. Collection method: clinical testing. Allele origin: germline.
Comment: Variant summary: SLC45A2 c.1004T>G (p.Met335Arg) results in a non-conservative amino acid change in the encoded protein sequence. Five of five in-silico tools predict a damaging effect of the variant on protein function. The variant allele was found at a frequency of 4e-06 in 251238 control chromosomes. The available data on variant occurrences in the general population are insufficient to allow any conclusion about variant significance. c.1004T>G has been reported in the literature in at least one compound heterozygous individual affected with oculocutaneous albinism type 4 (e.g.,Hutton_2008). However, these data do not allow any conclusion about variant significance. To our knowledge, no experimental evidence demonstrating an impact on protein function has been reported. The following publication have been ascertained in the context of this evaluation (PMID: 18463683). No submitters have cited clinical-significance assessments for this variant to ClinVar. Based on the evidence outlined above, the variant was classified as uncertain significance.

Literature cited by the submitters: PubMed 18463683.

NM_016180.5(SLC45A2):c.1004T>G (p.Met335Arg)

Gene: SLC45A2 (solute carrier family 45 member 2; minus strand). Cytogenetic location: 5p13.2.
Variant type: single nucleotide variant.
Coding change: c.1004T>G on transcript NM_016180.5 (MANE Select); coding-DNA position 1004, T replaced by G.
Protein change: p.Met335Arg; replaces methionine 335 with arginine.
Molecular consequence: missense variant.
Genome position (GRCh38, 1-based): chr5:33,954,389, A>C on the plus strand (T>G on the coding strand, the complement: SLC45A2 is on the minus strand). VCF-style: chr5-33954389-A-C. GRCh37 (hg19) VCF-style: chr5-33954494-A-C.
Other names: c.1004T>G, p.Met335Arg (NM_001012509.4); c.678T>G, p.His226Gln (NM_001297417.4); short protein forms H226Q, M335R.
Identifiers: ClinVar variation 3335976 (VCV003335976.1).